The following is an entry in ClinVar:

NM_001378183.1(PIEZO2):c.2255A>G (p.Tyr752Cys)

Gene: PIEZO2 (piezo type mechanosensitive ion channel component 2; minus strand). Cytogenetic location: 18p11.22.
Variant type: single nucleotide variant.
Coding change: c.2255A>G on transcript NM_001378183.1 (MANE Select); coding-DNA position 2255, A replaced by G.
Protein change: p.Tyr752Cys; replaces tyrosine 752 with cysteine.
Molecular consequence: missense variant.
Genome position (GRCh38, 1-based): chr18:10,787,099, T>C on the plus strand (A>G on the coding strand, the complement: PIEZO2 is on the minus strand). VCF-style: chr18-10787099-T-C. GRCh37 (hg19) VCF-style: chr18-10787097-T-C.
Other names: c.2255A>G, p.Tyr752Cys (NM_022068.4); short protein forms Y752C.
Identifiers: ClinVar variation 1206263 (VCV001206263.4), dbSNP rs1015803761, ClinGen allele CA296000810.

ClinVar aggregate classification (germline): Uncertain significance. Review status: criteria provided, single submitter (1 of 4 stars). 3 submissions from 3 submitters: Uncertain significance (1). 2 of the submissions do not count toward it. Last evaluated 2021-01-06.

Allele frequency attached by ClinVar (database versions not stated): gnomAD 0.00005 and 0.00006; gnomAD exomes 0.00006; TOPMed 0.00007.

Submissions (3):

GeneDx
Classification: Uncertain significance. Last evaluated: 2021-01-06. Review status: criteria provided, single submitter. Criteria: GeneDx Variant Classification Process June 2021. Collection method: clinical testing. Allele origin: germline. Affected: yes.
Comment: In silico analysis supports that this missense variant has a deleterious effect on protein structure/function; Has not been previously published as pathogenic or benign to our knowledge

Diagnostic Laboratory, Department of Genetics, University Medical Center Groningen
Classification: Uncertain significance. Review status: no assertion criteria provided. Collection method: clinical testing. Allele origin: germline. Affected: yes. Study: VKGL Data-share Consensus. Not counted in ClinVar's aggregate classification.

Laboratory of Diagnostic Genome Analysis, Leiden University Medical Center (LUMC)
Classification: Uncertain significance. Review status: no assertion criteria provided. Collection method: clinical testing. Allele origin: germline. Affected: yes. Study: VKGL Data-share Consensus. Not counted in ClinVar's aggregate classification.